The following is an entry in ClinVar:

ClinVar aggregate classification (germline): Uncertain significance (1 of 4 stars; one submission).

Conditions:
Developmental and epileptic encephalopathy, 53. Also called: Epileptic encephalopathy, early infantile, 53. Identifiers: MedGen C4479313, MONDO:0033362, OMIM 617389.
Early-onset Parkinson disease 20. Also called: PARKINSON DISEASE 20, AUTOSOMAL RECESSIVE EARLY-ONSET. Identifiers: Orphanet 391411, MedGen C3809824, MONDO:0014233, OMIM 615530.

gnomAD v4.1: 2 of 1,614,150 alleles (0.00012%); highest among the groups gnomAD compares: Non-Finnish European, 0.00017%; no homozygotes.

Submission:

Labcorp Genetics (formerly Invitae), Labcorp
Classification: Uncertain significance for Developmental and epileptic encephalopathy, 53; Early-onset Parkinson disease 20. Last evaluated: 2021-03-10. Review status: criteria provided, single submitter. Criteria: Invitae Variant Classification Sherloc (09022015). Collection method: clinical testing. Allele origin: germline.
Comment: In summary, the available evidence is currently insufficient to determine the role of this variant in disease. Therefore, it has been classified as a Variant of Uncertain Significance. Algorithms developed to predict the effect of missense changes on protein structure and function are either unavailable or do not agree on the potential impact of this missense change (SIFT: "Deleterious"; PolyPhen-2: "Probably Damaging"; Align-GVGD: "Class C0"). This variant has not been reported in the literature in individuals with SYNJ1-related conditions. This variant is not present in population databases (ExAC no frequency). This sequence change replaces tryptophan with cysteine at codon 880 of the SYNJ1 protein (p.Trp880Cys). The tryptophan residue is highly conserved and there is a large physicochemical difference between tryptophan and cysteine.

NM_203446.3(SYNJ1):c.2523G>T (p.Trp841Cys)

Gene: SYNJ1 (synaptojanin 1; minus strand). Cytogenetic location: 21q22.11.
Variant type: single nucleotide variant.
Coding change: c.2523G>T on transcript NM_203446.3 (MANE Select); coding-DNA position 2523, G replaced by T.
Protein change: p.Trp841Cys; replaces tryptophan 841 with cysteine.
Molecular consequence: missense variant.
Genome position (GRCh38, 1-based): chr21:32,657,059, C>A on the plus strand (G>T on the coding strand, the complement: SYNJ1 is on the minus strand). VCF-style: chr21-32657059-C-A. GRCh37 (hg19) VCF-style: chr21-34029369-C-A.
Other names: c.2523G>T, p.Trp841Cys (NM_001160302.2); c.2508G>T, p.Trp836Cys (NM_001160306.2); c.2640G>T, p.Trp880Cys (NM_003895.4); short protein forms W836C, W841C, W880C.
Identifiers: ClinVar variation 1413374 (VCV001413374.6), dbSNP rs2145853599, ClinGen allele CA410074381.